The following is an entry in ClinVar:

ClinVar aggregate classification (germline): Uncertain significance (1 of 4 stars; one submission).

Allele frequency attached by ClinVar (database versions not stated): gnomAD 0.00005; TOPMed 0.00010.
gnomAD v4.1: 46 of 1,555,436 alleles (0.003%); highest among the groups gnomAD compares: Admixed American, 0.0078%; no homozygotes.

Submission:

Labcorp Genetics (formerly Invitae), Labcorp
Classification: Uncertain significance. Last evaluated: 2022-05-04. Review status: criteria provided, single submitter. Criteria: Invitae Variant Classification Sherloc (09022015). Collection method: clinical testing. Allele origin: germline.
Comment: This sequence change replaces arginine, which is basic and polar, with tryptophan, which is neutral and slightly polar, at codon 1801 of the MYO18B protein (p.Arg1801Trp). This variant is present in population databases (no rsID available, gnomAD 0.01%). This variant has not been reported in the literature in individuals affected with MYO18B-related conditions. Algorithms developed to predict the effect of missense changes on protein structure and function are either unavailable or do not agree on the potential impact of this missense change (SIFT: "Not Available"; PolyPhen-2: "Probably Damaging"; Align-GVGD: "Not Available"). In summary, the available evidence is currently insufficient to determine the role of this variant in disease. Therefore, it has been classified as a Variant of Uncertain Significance.

NM_032608.7(MYO18B):c.5401C>T (p.Arg1801Trp)

Gene: MYO18B (myosin XVIIIB; plus strand). Cytogenetic location: 22q12.1.
Variant type: single nucleotide variant.
Coding change: c.5401C>T on transcript NM_032608.7 (MANE Select); coding-DNA position 5401, C replaced by T.
Protein change: p.Arg1801Trp; replaces arginine 1801 with tryptophan.
Molecular consequence: missense variant.
Genome position (GRCh38, 1-based): chr22:25,921,293, C>T. VCF-style: chr22-25921293-C-T. GRCh37 (hg19) VCF-style: chr22-26317260-C-T.
Other names: c.5404C>T, p.Arg1802Trp (NM_001318245.2); short protein forms R1801W, R1802W.
Identifiers: ClinVar variation 2048398 (VCV002048398.1), dbSNP rs980051048, ClinGen allele CA322777901.